The following is an entry in ClinVar:

ClinVar aggregate classification (germline): Likely pathogenic (1 of 4 stars; one submission).

Conditions:
Hereditary cancer-predisposing syndrome. Also called: Neoplastic Syndromes, Hereditary; Tumor predisposition; Hereditary Cancer Syndrome; Hereditary neoplastic syndrome. Identifiers: Orphanet 140162, MedGen C0027672, MeSH D009386, MONDO:0015356.

Submissions (2):

Ambry Genetics
Classification: Likely pathogenic for Hereditary cancer-predisposing syndrome. Last evaluated: 2021-11-24. Review status: criteria provided, single submitter. Criteria: Ambry Variant Classification Scheme 2023. Collection method: clinical testing. Allele origin: germline.
Comment: The p.K1702Q variant (also known as c.5104A>C), located in coding exon 16 of the BRCA1 gene, results from an A to C substitution at nucleotide position 5104. The lysine at codon 1702 is replaced by glutamine, an amino acid with similar properties. One functional study found that this nucleotide substitution is non-functional in a high-throughput, genome editing, haploid cell survival assay (Findlay GM et al. Nature, 2018 10;562:217-222). This variant is considered to be rare based on population cohorts in the Genome Aggregation Database (gnomAD). This amino acid position is highly conserved in available vertebrate species. In addition, this alteration is predicted to be deleterious by in silico analysis. Based on the majority of available evidence to date, this variant is likely to be pathogenic.

Brotman Baty Institute, University of Washington
No classification provided (evidence only). Condition: Breast-ovarian cancer, familial 1. Review status: no classification provided. Collection method: in vitro. Allele origin: not applicable. Functional consequence: functionally_abnormal. Not counted in ClinVar's aggregate classification.
ClinVar note: "not provided" was previously submitted as the classification for the variant. However, the classification appeared to be based only on an observation of functional data so it was converted to no classification on 2025-07-30.

Literature cited by the submitters: PubMed 30209399 (cited by Ambry Genetics).

NM_007294.4(BRCA1):c.5104A>C (p.Lys1702Gln)

Gene: BRCA1 (BRCA1 DNA repair associated; minus strand). Cytogenetic location: 17q21.31.
Variant type: single nucleotide variant.
Coding change: c.5104A>C on transcript NM_007294.4 (MANE Select); coding-DNA position 5104, A replaced by C.
Protein change: p.Lys1702Gln; replaces lysine 1702 with glutamine.
Molecular consequence: missense variant. On other transcripts: non-coding transcript variant (1).
Genome position (GRCh38, 1-based): chr17:43,063,922, T>G on the plus strand (A>C on the coding strand, the complement: BRCA1 is on the minus strand). VCF-style: chr17-43063922-T-G. GRCh37 (hg19) VCF-style: chr17-41215939-T-G.
Other names: c.4891A>C, p.Lys1631Gln (NM_001407571.1, NM_001407897.1, NM_001407898.1 and 12 more transcripts); c.5170A>C, p.Lys1724Gln (NM_001407581.1, NM_001407582.1); c.5167A>C, p.Lys1723Gln (NM_001407583.1, NM_001407585.1, NM_001407587.1 and 1 more transcripts); c.5164A>C, p.Lys1722Gln (NM_001407590.1, NM_001407591.1); c.5104A>C, p.Lys1702Gln (NM_001407593.1, NM_001407594.1, NM_001407596.1 and 7 more transcripts); c.5101A>C, p.Lys1701Gln (NM_001407610.1, NM_001407611.1, NM_001407612.1 and 17 more transcripts); c.5098A>C, p.Lys1700Gln (NM_001407627.1, NM_001407628.1, NM_001407629.1 and 14 more transcripts); c.5095A>C, p.Lys1699Gln (NM_001407644.1, NM_001407645.1); and 71 more; short protein forms K1702Q, K1723Q, K1655Q, K598Q, K1533Q, K1574Q, K1589Q, K1612Q.
Identifiers: ClinVar variation 867649 (VCV000867649.5), dbSNP rs2051925024, ClinGen allele CA10591323.